The following is an entry in ClinVar:

ClinVar aggregate classification (germline): Likely benign (1 of 4 stars; one submission).

Conditions:
Osteogenesis imperfecta type 7 (OI7). Also called: OI type 7; OI type VII; OSTEOGENESIS IMPERFECTA, TYPE IIB; Osteogenesis imperfecta type 2B; OI type 2B; Osteogenesis imperfecta, perinatal lethal autosomal recessive. Identifiers: MedGen C1853162, MONDO:0012536, OMIM 610682.

Allele frequency attached by ClinVar (database versions not stated): 1000 Genomes Project 30x 0.00437; 1000 Genomes Project 0.00479; gnomAD 0.00483 and 0.00484; TOPMed 0.00575.

Submission:

Illumina Laboratory Services, Illumina
Classification: Likely benign for Osteogenesis imperfecta type 7. Last evaluated: 2018-01-12. Review status: criteria provided, single submitter. Criteria: ICSL Variant Classification Criteria 13 December 2019. Collection method: clinical testing. Allele origin: germline.
Comment: This variant was observed in the ICSL laboratory as part of a predisposition screen in an ostensibly healthy population. It had not been previously curated by ICSL or reported in the Human Gene Mutation Database (HGMD: prior to June 1st, 2018), and was therefore a candidate for classification through an automated scoring system. Utilizing variant allele frequency, disease prevalence and penetrance estimates, and inheritance mode, an automated score was calculated to assess if this variant is too frequent to cause the disease. Based on the score and internal cut-off values, a variant classified as likely benign is not then subjected to further curation. The score for this variant resulted in a classification of likely benign for this disease.

NM_006371.5(CRTAP):c.*4705G>T

Gene: CRTAP (cartilage associated protein; plus strand). Cytogenetic location: 3p22.3.
Variant type: single nucleotide variant.
Coding change: c.*4705G>T on transcript NM_006371.5 (MANE Select); 4705 bases downstream of the stop codon, G replaced by T.
Molecular consequence: 3 prime UTR variant.
Genome position (GRCh38, 1-based): chr3:33,147,153, G>T. VCF-style: chr3-33147153-G-T. GRCh37 (hg19) VCF-style: chr3-33188645-G-T.
Identifiers: ClinVar variation 344890 (VCV000344890.5), dbSNP rs145711257, ClinGen allele CA10615700.
Genomic context (GRCh38, chr3:33,147,153, plus strand): 5'-GGTGACTCCAGGCCTGAATGACCTAGTGTGGAGAGTTTAAACTATGTACAAGGGAGGAAA[G>T]AAAAAAAGGAAAGGAACCTTAAGTAAGCCTCAGCCAAAGGTTTTATGCATTGGACTTCCT-3'